The following is an entry in ClinVar:

NM_032888.4(COL27A1):c.2855G>A (p.Gly952Glu)

Gene: COL27A1 (collagen type XXVII alpha 1 chain; plus strand). Cytogenetic location: 9q32.
Variant type: single nucleotide variant.
Coding change: c.2855G>A on transcript NM_032888.4 (MANE Select); coding-DNA position 2855, G replaced by A.
Protein change: p.Gly952Glu; replaces glycine 952 with glutamic acid.
Molecular consequence: missense variant.
Genome position (GRCh38, 1-based): chr9:114,242,206, G>A. VCF-style: chr9-114242206-G-A. GRCh37 (hg19) VCF-style: chr9-117004486-G-A.
Other names: short protein forms G952E.
Identifiers: ClinVar variation 2581411 (VCV002581411.1), dbSNP rs779158995, ClinGen allele CA5202110.
Genomic context (GRCh38, chr9:114,242,206, plus strand): 5'-AACTTTCTCCTTTTTTCCTCTCTCGTGTCTCCCAATTCTAGGGAGATGAGGGACCCATGG[G>A]GCCGCCAGGGGCCCCTGGCTTGGAGGTGAGTGTCACTGGCCTGGGGTAGGTGGCATTCAT-3'
Protein context (NP_116277.2, residues 942-962): LGPEGDEGPM[Gly952Glu]PPGAPGLEGQ

ClinVar aggregate classification (germline): Uncertain significance (1 of 4 stars; one submission).

Allele frequency attached by ClinVar (database versions not stated): gnomAD exomes 0.00001; ExAC 0.00002.
gnomAD v4.1: 5 of 1,608,456 alleles (0.00031%); highest among the groups gnomAD compares: South Asian, 0.0055%; 1 homozygote.

Submission:

Women's Health and Genetics/Laboratory Corporation of America, LabCorp
Classification: Uncertain significance. Last evaluated: 2023-08-03. Review status: criteria provided, single submitter. Criteria: LabCorp Variant Classification Summary - May 2015. Collection method: clinical testing. Allele origin: germline.
Comment: Variant summary: COL27A1 c.2855G>A (p.Gly952Glu) results in a non-conservative amino acid change located in the Collagen triple helix repeat (IPR008160) of the encoded protein sequence. Five of five in-silico tools predict a damaging effect of the variant on protein function. The variant allele was found at a frequency of 1.2e-05 in 243568 control chromosomes. The available data on variant occurrences in the general population are insufficient to allow any conclusion about variant significance. To our knowledge, no occurrence of c.2855G>A in individuals affected with Steel syndrome and no experimental evidence demonstrating its impact on protein function have been reported. No submitters have cited clinical-significance assessments for this variant to ClinVar after 2014. Based on the evidence outlined above, the variant was classified as uncertain significance.